The following is an entry in ClinVar:

NM_005431.2(XRCC2):c.490G>A (p.Glu164Lys)

Gene: XRCC2 (X-ray repair cross complementing 2; minus strand). Cytogenetic location: 7q36.1.
Variant type: single nucleotide variant.
Coding change: c.490G>A on transcript NM_005431.2 (MANE Select); coding-DNA position 490, G replaced by A.
Protein change: p.Glu164Lys; replaces glutamic acid 164 with lysine.
Molecular consequence: missense variant.
Genome position (GRCh38, 1-based): chr7:152,648,995, C>T on the plus strand (G>A on the coding strand, the complement: XRCC2 is on the minus strand). VCF-style: chr7-152648995-C-T. GRCh37 (hg19) VCF-style: chr7-152346080-C-T.
Other names: short protein forms E164K.
Identifiers: ClinVar variation 1744036 (VCV001744036.2), dbSNP rs1215678098, ClinGen allele CA370198584.

ClinVar aggregate classification (germline): Uncertain significance (1 of 4 stars; one submission).

Conditions:
Hereditary cancer-predisposing syndrome. Also called: Hereditary Cancer Syndrome; Neoplastic Syndromes, Hereditary; Tumor predisposition; Hereditary neoplastic syndrome. Identifiers: Orphanet 140162, MedGen C0027672, MeSH D009386, MONDO:0015356.

Allele frequency attached by ClinVar (database versions not stated): gnomAD exomes below 0.00001.
gnomAD v4.1: 1 of 1,614,212 alleles (0.000062%); highest among the groups gnomAD compares: Non-Finnish European, 0.000085%; no homozygotes.

Submission:

Ambry Genetics
Classification: Uncertain significance for Hereditary cancer-predisposing syndrome. Last evaluated: 2021-09-01. Review status: criteria provided, single submitter. Criteria: Ambry Variant Classification Scheme 2023. Collection method: clinical testing. Allele origin: germline.
Comment: The p.E164K variant (also known as c.490G>A), located in coding exon 3 of the XRCC2 gene, results from a G to A substitution at nucleotide position 490. The glutamic acid at codon 164 is replaced by lysine, an amino acid with similar properties. This amino acid position is conserved. In addition, the in silico prediction for this alteration is inconclusive. Since supporting evidence is limited at this time, the clinical significance of this alteration remains unclear.